The following is an entry in ClinVar:

ClinVar aggregate classification (germline): Uncertain significance (1 of 4 stars; one submission).

Conditions:
POLD1-related polyposis and colorectal cancer syndrome (CRCS10). Also called: Colorectal cancer, susceptibility to, 10; Colorectal cancer 10; COLORECTAL CANCER, SUSCEPTIBILITY TO, ON CHROMOSOME 19q. Identifiers: Orphanet 220460, MedGen C2675481, MONDO:0012953, OMIM 612591.

Submission:

Labcorp Genetics (formerly Invitae), Labcorp
Classification: Uncertain significance for POLD1-related polyposis and colorectal cancer syndrome. Last evaluated: 2023-05-16. Review status: criteria provided, single submitter. Criteria: Invitae Variant Classification Sherloc (09022015). Collection method: clinical testing. Allele origin: germline.
Comment: In summary, the available evidence is currently insufficient to determine the role of this variant in disease. Therefore, it has been classified as a Variant of Uncertain Significance. Variants that disrupt the consensus splice site are a relatively common cause of aberrant splicing (PMID: 17576681, 9536098). Algorithms developed to predict the effect of sequence changes on RNA splicing suggest that this variant is not likely to affect RNA splicing. ClinVar contains an entry for this variant (Variation ID: 648790). This variant has not been reported in the literature in individuals affected with POLD1-related conditions. This variant is not present in population databases (gnomAD no frequency). This sequence change falls in intron 2 of the POLD1 gene. It does not directly change the encoded amino acid sequence of the POLD1 protein. It affects a nucleotide within the consensus splice site.

Literature cited by the submitters: PubMed 17576681; PubMed 9536098.

NM_002691.4(POLD1):c.202+6G>C

Gene: POLD1 (DNA polymerase delta 1, catalytic subunit; plus strand). Cytogenetic location: 19q13.33.
Variant type: single nucleotide variant.
Coding change: c.202+6G>C on transcript NM_002691.4 (MANE Select); 6 bases into the intron after coding-DNA position 202, G replaced by C.
Molecular consequence: intron variant.
Genome position (GRCh38, 1-based): chr19:50,399,059, G>C. VCF-style: chr19-50399059-G-C. GRCh37 (hg19) VCF-style: chr19-50902316-G-C.
Other names: c.202+6G>C (LRG_785t2, LRG_785t1, NM_001256849.1 and 1 more transcripts).
Identifiers: ClinVar variation 648790 (VCV000648790.6), dbSNP rs1601189629, ClinGen allele CA915951908.